The following is an entry in ClinVar:

ClinVar aggregate classification (germline): Uncertain significance (1 of 4 stars; one submission).

Submission:

Ambry Genetics
Classification: Uncertain significance. Last evaluated: 2022-12-10. Review status: criteria provided, single submitter. Criteria: Ambry Variant Classification Scheme 2023. Collection method: clinical testing. Allele origin: germline.
Comment: The p.F591L variant (also known as c.1771T>C), located in coding exon 16 of the RAD54L gene, results from a T to C substitution at nucleotide position 1771. The phenylalanine at codon 591 is replaced by leucine, an amino acid with highly similar properties. This amino acid position is conserved. In addition, this alteration is predicted to be deleterious by in silico analysis. Since supporting evidence is limited at this time, the clinical significance of this alteration remains unclear.

NM_003579.4(RAD54L):c.1771T>C (p.Phe591Leu)

Gene: RAD54L (RAD54 like; plus strand). Cytogenetic location: 1p34.1.
Variant type: single nucleotide variant.
Coding change: c.1771T>C on transcript NM_003579.4 (MANE Select); coding-DNA position 1771, T replaced by C.
Protein change: p.Phe591Leu; replaces phenylalanine 591 with leucine.
Molecular consequence: missense variant.
Genome position (GRCh38, 1-based): chr1:46,274,619, T>C. VCF-style: chr1-46274619-T-C. GRCh37 (hg19) VCF-style: chr1-46740291-T-C.
Other names: c.1771T>C, p.Phe591Leu (NM_001142548.2); c.1231T>C, p.Phe411Leu (NM_001370766.1); short protein forms F411L, F591L.
Identifiers: ClinVar variation 2447789 (VCV002447789.2), dbSNP rs2525718547, ClinGen allele CA340185668.